The following is an entry in ClinVar:

NM_004360.5(CDH1):c.1205A>G (p.Asp402Gly)

Gene: CDH1 (cadherin 1; plus strand). Cytogenetic location: 16q22.1.
Variant type: single nucleotide variant.
Coding change: c.1205A>G on transcript NM_004360.5 (MANE Select); coding-DNA position 1205, A replaced by G.
Protein change: p.Asp402Gly; replaces aspartic acid 402 with glycine.
Molecular consequence: missense variant. On other transcripts: 5 prime UTR variant (2), intron variant (1).
Genome position (GRCh38, 1-based): chr16:68,813,380, A>G. VCF-style: chr16-68813380-A-G. GRCh37 (hg19) VCF-style: chr16-68847283-A-G.
Other names: c.-411A>G (NM_001317185.2); c.-615A>G (NM_001317186.2); c.1137+1117A>G (NM_001317184.2); short protein forms D402G.
Identifiers: ClinVar variation 3488614 (VCV003488614.1).

ClinVar aggregate classification (germline): Uncertain significance (1 of 4 stars; one submission).

Conditions:
Hereditary cancer-predisposing syndrome. Also called: Tumor predisposition; Neoplastic Syndromes, Hereditary; Hereditary Cancer Syndrome; Hereditary neoplastic syndrome. Identifiers: Orphanet 140162, MedGen C0027672, MeSH D009386, MONDO:0015356.

Submission:

Ambry Genetics
Classification: Uncertain significance for Hereditary cancer-predisposing syndrome. Last evaluated: 2024-12-06. Review status: criteria provided, single submitter. Criteria: Ambry Variant Classification Scheme 2023. Collection method: clinical testing. Allele origin: germline.
Comment: The p.D402G variant (also known as c.1205A>G), located in coding exon 9 of the CDH1 gene, results from an A to G substitution at nucleotide position 1205. The aspartic acid at codon 402 is replaced by glycine, an amino acid with similar properties. This variant was reported in individual(s) with a personal and/or family history of gastric cancer (Ambry internal data). This amino acid position is highly conserved in available vertebrate species. In addition, this alteration is predicted to be deleterious by in silico analysis. Based on the available evidence, the clinical significance of this variant remains unclear.